The following is an entry in ClinVar:

NM_003000.3(SDHB):c.438C>G (p.Phe146Leu)

Gene: SDHB (succinate dehydrogenase complex iron sulfur subunit B; minus strand). Cytogenetic location: 1p36.13.
Variant type: single nucleotide variant.
Coding change: c.438C>G on transcript NM_003000.3 (MANE Select); coding-DNA position 438, C replaced by G.
Protein change: p.Phe146Leu; replaces phenylalanine 146 with leucine.
Molecular consequence: missense variant.
Genome position (GRCh38, 1-based): chr1:17,027,851, G>C on the plus strand (C>G on the coding strand, the complement: SDHB is on the minus strand). VCF-style: chr1-17027851-G-C. GRCh37 (hg19) VCF-style: chr1-17354346-G-C.
Other names: short protein forms F146L.
Identifiers: ClinVar variation 943043 (VCV000943043.7), dbSNP rs1570948017, ClinGen allele CA338273382.

ClinVar aggregate classification (germline): Uncertain significance (1 of 4 stars; one submission).

Conditions:
Gastrointestinal stromal tumor. Also called: Gastrointestinal stromal tumor, somatic; Gastrointestinal stroma tumor. Identifiers: Orphanet 44890, MedGen C0238198, MeSH D046152, MONDO:0011719, OMIM 606764, HP:0100723.
Pheochromocytoma/paraganglioma syndrome 4. Also called: CAROTID BODY TUMORS AND MULTIPLE EXTRAADRENAL PHEOCHROMOCYTOMAS; SDHB-Related Hereditary Paraganglioma-Pheochromocytoma Syndrome; Paragangliomas 4; SDHB-Related Hereditary Paraganglioma-Pheochromocytoma Syndrome (Paragangliomas 4); PARAGANGLIOMA, FAMILIAL MALIGNANT; PARAGANGLIOMAS, HEREDITARY EXTRAADRENAL. Identifiers: Orphanet 29072, MedGen C1861848, MONDO:0007273, OMIM 115310.
Pheochromocytoma. Also called: MAX-Related Hereditary Paraganglioma-Pheochromocytoma Syndrome. Identifiers: Orphanet 29072, MedGen C0031511, MONDO:0008233, OMIM 171300, HP:0002666.

Submission:

Labcorp Genetics (formerly Invitae), Labcorp
Classification: Uncertain significance for Gastrointestinal stromal tumor; Pheochromocytoma/paraganglioma syndrome 4; Pheochromocytoma. Last evaluated: 2019-06-09. Review status: criteria provided, single submitter. Criteria: Invitae Variant Classification Sherloc (09022015). Collection method: clinical testing. Allele origin: germline.
Comment: This variant is not present in population databases (ExAC no frequency). In summary, the available evidence is currently insufficient to determine the role of this variant in disease. Therefore, it has been classified as a Variant of Uncertain Significance. Algorithms developed to predict the effect of sequence changes on RNA splicing suggest that this variant may create or strengthen a splice site, but this prediction has not been confirmed by published transcriptional studies. Algorithms developed to predict the effect of missense changes on protein structure and function are either unavailable or do not agree on the potential impact of this missense change (SIFT: "Deleterious"; PolyPhen-2: "Probably Damaging"; Align-GVGD: "Class C15"). This variant has not been reported in the literature in individuals with SDHB-related conditions. This sequence change replaces phenylalanine with leucine at codon 146 of the SDHB protein (p.Phe146Leu). The phenylalanine residue is highly conserved and there is a small physicochemical difference between phenylalanine and leucine.